The following is an entry in ClinVar:

ClinVar aggregate classification (germline): Likely pathogenic (1 of 4 stars; one submission).

Conditions:
KBG syndrome (KBGS). Also called: ANKRD11-Related KBG Syndrome. Identifiers: Orphanet 2332, MedGen C0220687, MONDO:0007846, OMIM 148050.

Submission:

Laboratorio de Genetica e Diagnostico Molecular, Hospital Israelita Albert Einstein
Classification: Likely pathogenic for KBG syndrome. Last evaluated: 2026-02-13. Review status: criteria provided, single submitter. Criteria: ACMG Guidelines, 2015. Collection method: clinical testing. Allele origin: germline. Affected: yes.
Comment: ACMG classification criteria: PVS1 very strong, PM2 supporting

NM_013275.6(ANKRD11):c.3308_3309dup (p.Asp1104fs)

Gene: ANKRD11 (ankyrin repeat domain 11; minus strand). Cytogenetic location: 16q24.3.
Variant type: Duplication.
Coding change: c.3308_3309dup on transcript NM_013275.6 (MANE Select); coding-DNA positions 3308 to 3309, 2 bases duplicated (AA; older notation c.3308_3309dupAA).
Protein change: p.Asp1104fs; shifts the reading frame from aspartic acid 1104.
Molecular consequence: frameshift variant.
Genome position (GRCh38, 1-based): chr16:89,283,233-89,283,234, TT duplicated on the plus strand (AA on the coding strand, the reverse complement: ANKRD11 is on the minus strand); duplicating any 2 consecutive bases within chr16:89,283,233-89,283,240 gives the same sequence; the c. name uses the placement nearest the transcript's 3' end. VCF-style (leftmost placement, unchanged base first): chr16-89283232-C-CTT. GRCh37 (hg19) VCF-style: chr16-89349640-C-CTT.
Other names: c.3308_3309dup, p.Asp1104fs (NM_001256182.2, NM_001256183.2); short protein forms D1104fs.
Identifiers: ClinVar variation 4846832 (VCV004846832.1).